The following is an entry in ClinVar:

NM_004484.4(GPC3):c.115C>T (p.Arg39Cys)

Gene: GPC3 (glypican 3; minus strand). Cytogenetic location: Xq26.2.
Variant type: single nucleotide variant.
Coding change: c.115C>T on transcript NM_004484.4 (MANE Select); coding-DNA position 115, C replaced by T.
Protein change: p.Arg39Cys; replaces arginine 39 with cysteine.
Molecular consequence: missense variant.
Genome position (GRCh38, 1-based): chrX:133,985,335, G>A on the plus strand (C>T on the coding strand, the complement: GPC3 is on the minus strand). VCF-style: chrX-133985335-G-A. GRCh37 (hg19) VCF-style: chrX-133119362-G-A.
Other names: c.115C>T, p.Arg39Cys (NM_001164617.2, NM_001164618.2, NM_001164619.2); short protein forms R39C.
Identifiers: ClinVar variation 939060 (VCV000939060.12), dbSNP rs757475450, ClinGen allele CA10520887.
Genomic context (GRCh38, chrX:133,985,335, plus strand): 5'-CTGGCACGGGAGTTTCTGGCACCCACTTGAGTCCGGGCTGCAGTCTCTGGAAGAAGGAGC[G>A]GACTTGGTGACAGGTGGCGTCCGGCGGCGGCGGCGGGGGCTGCGCCTGTCCCGGGAAGTC-3'
Protein context (NP_004475.1, residues 29-49): PPPDATCHQV[Arg39Cys]SFFQRLQPGL

ClinVar aggregate classification (germline): Uncertain significance. Review status: criteria provided, multiple submitters, no conflicts (2 of 4 stars). 3 submissions from 3 submitters: Uncertain significance (3). Last evaluated 2024-07-14.

Conditions:
Simpson-Golabi-Behmel syndrome type 1 (SGBS1). Also called: GPC3-Related Simpson-Golabi-Behmel Syndrome Type 1; SIMPSON DYSMORPHIA SYNDROME; BULLDOG SYNDROME; DYSPLASIA GIGANTISM SYNDROME, X-LINKED; GOLABI-ROSEN SYNDROME. Identifiers: Orphanet 373, MedGen C0796154, MONDO:0020602, OMIM 312870.
Wilms tumor 1 (WT1). Also called: Wilms tumor, somatic. Identifiers: Orphanet 654, MedGen CN033288, MONDO:0008679, OMIM 194070.

Allele frequency attached by ClinVar (database versions not stated): gnomAD exomes below 0.00001 and 0.00002; TOPMed 0.00001; ExAC 0.00004.

Submissions (3):

Labcorp Genetics (formerly Invitae), Labcorp
Classification: Uncertain significance for Wilms tumor 1. Last evaluated: 2024-07-14. Review status: criteria provided, single submitter. Criteria: Invitae Variant Classification Sherloc (09022015). Collection method: clinical testing. Allele origin: germline.
Comment: This sequence change replaces arginine, which is basic and polar, with cysteine, which is neutral and slightly polar, at codon 39 of the GPC3 protein (p.Arg39Cys). This variant is present in population databases (rs757475450, gnomAD 0.03%). This variant has not been reported in the literature in individuals affected with GPC3-related conditions. ClinVar contains an entry for this variant (Variation ID: 939060). Advanced modeling of protein sequence and biophysical properties (such as structural, functional, and spatial information, amino acid conservation, physicochemical variation, residue mobility, and thermodynamic stability) performed at Invitae indicates that this missense variant is expected to disrupt GPC3 protein function with a positive predictive value of 80%. In summary, the available evidence is currently insufficient to determine the role of this variant in disease. Therefore, it has been classified as a Variant of Uncertain Significance.

Victorian Clinical Genetics Services, Murdoch Childrens Research Institute
Classification: Uncertain significance for Simpson-Golabi-Behmel syndrome type 1. Last evaluated: 2023-07-17. Review status: criteria provided, single submitter. Criteria: ACMG Guidelines, 2015. Collection method: clinical testing. Allele origin: germline. Inheritance: X-linked recessive inheritance. Affected: yes.
Comment: Based on the classification scheme VCGS_Germline_v1.3.4, this variant is classified as VUS-3B. Following criteria are met: 0102 - Loss of function is a known mechanism of disease in this gene and is associated with Simpson-Golabi-Behmel syndrome, type 1 (MIM#312870). (I) 0109 - This gene is associated with X-linked recessive disease. Some mildly affected heterozygous females have been reported, and this is likely due to skewed X-inactivation (PMID: 20301398). (I) 0200 - Variant is predicted to result in a missense amino acid change from arginine to cysteine. (I) 0251 - This variant is heterozygous. (I) 0304 - Variant is present in gnomAD (v2) <0.01 for a recessive condition (4 heterozygotes, 0 homozygotes, 0 hemizygotes). (SP) 0501 - Missense variant consistently predicted to be damaging by multiple in silico tools or highly conserved with a major amino acid change. (SP) 0600 - Variant is located in the annotated glypican domain (DECIPHER). (I) 0705 - No comparable missense variants have previous evidence for pathogenicity. (I) 0809 - Previous evidence of pathogenicity for this variant is inconclusive. This variant has been classified as a VUS by a clinical laboratory in ClinVar. (I) 0905 - No published segregation evidence has been identified for this variant. (I) 1007 - No published functional evidence has been identified for this variant. (I) 1208 - Inheritance information for this variant is not currently available in this individual. (I) Legend: (SP) - Supporting pathogenic, (I) - Information, (SB) - Supporting benign

Fulgent Genetics
Classification: Uncertain significance for Wilms tumor 1; Simpson-Golabi-Behmel syndrome type 1. Last evaluated: 2022-04-18. Review status: criteria provided, single submitter. Criteria: ACMG Guidelines, 2015. Collection method: clinical testing. Allele origin: unknown.

Literature cited by the submitters: PubMed 20301398 (cited by Victorian Clinical Genetics Services, Murdoch Childrens Research Institute).